The following is an entry in ClinVar:

ClinVar aggregate classification (germline): Pathogenic (1 of 4 stars; one submission).

Submission:

Labcorp Genetics (formerly Invitae), Labcorp
Classification: Pathogenic. Last evaluated: 2024-04-25. Review status: criteria provided, single submitter. Criteria: Invitae Variant Classification Sherloc (09022015). Collection method: clinical testing. Allele origin: germline.
Comment: This sequence change creates a premature translational stop signal (p.Gln470*) in the NFKB1 gene. It is expected to result in an absent or disrupted protein product. Loss-of-function variants in NFKB1 are known to be pathogenic (PMID: 26279205, 29477724). This variant is not present in population databases (gnomAD no frequency). This variant has not been reported in the literature in individuals affected with NFKB1-related conditions. For these reasons, this variant has been classified as Pathogenic.

Literature cited by the submitters: PubMed 26279205; PubMed 29477724.

NM_003998.4(NFKB1):c.1408C>T (p.Gln470Ter)

Gene: NFKB1 (nuclear factor kappa B subunit 1; plus strand). Cytogenetic location: 4q24.
Variant type: single nucleotide variant.
Coding change: c.1408C>T on transcript NM_003998.4 (MANE Select); coding-DNA position 1408, C replaced by T.
Protein change: p.Gln470Ter; replaces glutamine 470 with a stop codon.
Molecular consequence: nonsense.
Genome position (GRCh38, 1-based): chr4:102,596,245, C>T. VCF-style: chr4-102596245-C-T. GRCh37 (hg19) VCF-style: chr4-103517402-C-T.
Other names: c.1405C>T, p.Gln469Ter (NM_001165412.2, NM_001319226.2, NM_001382627.1); c.1408C>T, p.Gln470Ter (NM_001382625.1, NM_001382626.1); c.1366C>T, p.Gln456Ter (NM_001382628.1); short protein forms Q456*, Q469*, Q470*.
Identifiers: ClinVar variation 3639109 (VCV003639109.2).
Genomic context (GRCh38, chr4:102,596,245, plus strand): 5'-AGTGATGACAAAAACACTGTAAACCTCTTTGGGAAAGTTATTGAAACCACAGAGCAAGAT[C>T]AGGAGCCCAGCGAGGCCACCGTTGGGAATGGTGAGGTCACTCTAACGTATGCAACAGGAA-3'